The following is an entry in ClinVar:

ClinVar aggregate classification (germline): Likely benign. Review status: criteria provided, multiple submitters, no conflicts (2 of 4 stars). 4 submissions from 4 submitters: Likely benign (4). Last evaluated 2025-04-11.

Conditions:
RAB18-related disorder. Also called: RAB18-related condition.

Allele frequency attached by ClinVar (database versions not stated): ExAC 0.00006; gnomAD exomes 0.00006; TOPMed 0.00009; gnomAD 0.00012.
gnomAD v4.1: 449 of 1,605,328 alleles (0.028%); highest among the groups gnomAD compares: Non-Finnish European, 0.036%; no homozygotes.

Submissions (4):

Labcorp Genetics (formerly Invitae), Labcorp
Classification: Likely benign. Last evaluated: 2025-04-11. Review status: criteria provided, single submitter. Criteria: Invitae Variant Classification Sherloc (09022015). Collection method: clinical testing. Allele origin: germline.

PreventionGenetics, part of Exact Sciences
Classification: Likely benign for RAB18-related condition. Last evaluated: 2025-02-19. Review status: criteria provided, single submitter. Criteria: ACMG Guidelines, 2015. Collection method: clinical testing. Allele origin: germline.
Comment: This variant is classified as likely benign based on ACMG/AMP sequence variant interpretation guidelines (Richards et al. 2015 PMID: 25741868, with internal and published modifications).

CeGaT Center for Human Genetics Tuebingen
Classification: Likely benign. Last evaluated: 2023-12-01. Review status: criteria provided, single submitter. Criteria: CeGaT Center For Human Genetics Tuebingen Variant Classification Criteria Version 2. Collection method: clinical testing. Allele origin: germline. Affected: yes. Observed: 1 variant allele.
Comment: RAB18: BP4, BP7

Genetic Services Laboratory, University of Chicago
Classification: Likely benign. Last evaluated: 2017-01-31. Review status: criteria provided, single submitter. Criteria: ACMG Guidelines, 2015. Collection method: clinical testing. Allele origin: germline. Affected: no.

NM_021252.5(RAB18):c.207G>A (p.Arg69=)

Gene: RAB18 (RAB18, member RAS oncogene family; plus strand). Cytogenetic location: 10p12.1.
Variant type: single nucleotide variant.
Coding change: c.207G>A on transcript NM_021252.5 (MANE Select); coding-DNA position 207, G replaced by A.
Protein change: p.Arg69=; no amino-acid change (arginine 69 retained).
Molecular consequence: synonymous variant. On other transcripts: non-coding transcript variant (1), intron variant (1).
Genome position (GRCh38, 1-based): chr10:27,532,527, G>A. VCF-style: chr10-27532527-G-A. GRCh37 (hg19) VCF-style: chr10-27821456-G-A.
Other names: c.294G>A, p.Arg98= (NM_001256410.2); c.207G>A, p.Arg69= (NM_001256411.2); c.187-1401G>A (NM_001256412.2); c.294G>A (NM_001256410.1).
Identifiers: ClinVar variation 436456 (VCV000436456.31), dbSNP rs770109036, ClinGen allele CA5452318.
Genomic context (GRCh38, chr10:27,532,527, plus strand): 5'-TTTATACTTTGTTTAATTTAATAATAATGATCATTTTTAGGATACTGCTGGTCAAGAGAG[G>A]TTTAGAACATTAACTCCCAGCTATTATAGAGGTGCACAGGGTGTTATATTAGGTAAGTGT-3'
Protein context (NP_067075.1, residues 59-79): LAIWDTAGQE[Arg69=]FRTLTPSYYR